The following is an entry in ClinVar:

NM_006767.4(LZTR1):c.176C>T (p.Pro59Leu)

Gene: LZTR1 (leucine zipper like post translational regulator 1; plus strand). Cytogenetic location: 22q11.21.
Variant type: single nucleotide variant.
Coding change: c.176C>T on transcript NM_006767.4 (MANE Select); coding-DNA position 176, C replaced by T.
Protein change: p.Pro59Leu; replaces proline 59 with leucine.
Molecular consequence: missense variant.
Genome position (GRCh38, 1-based): chr22:20,982,547, C>T. VCF-style: chr22-20982547-C-T. GRCh37 (hg19) VCF-style: chr22-21336836-C-T.
Other names: short protein forms P59L.
Identifiers: ClinVar variation 3238127 (VCV003238127.1), dbSNP rs2518607973.
Genomic context (GRCh38, chr22:20,982,547, plus strand): 5'-AGTACCTGACGCTCAACTTCGGGCCCTTCGAAACAGTGCATCGCTGGCGGCGCCTCCCGC[C>T]CTGCGACGAGTTCGTGGGTGCCCGGTACGGTGGGCTTCATGGGGTCCTGAGGACAGGAAG-3'
Protein context (NP_006758.2, residues 49-69): ETVHRWRRLP[Pro59Leu]CDEFVGARRS

ClinVar aggregate classification (germline): Uncertain significance (1 of 4 stars; one submission).

Conditions:
Hereditary cancer-predisposing syndrome. Also called: Neoplastic Syndromes, Hereditary; Tumor predisposition; Hereditary neoplastic syndrome; Hereditary Cancer Syndrome. Identifiers: Orphanet 140162, MedGen C0027672, MeSH D009386, MONDO:0015356.
Cardiovascular phenotype. Identifiers: MedGen CN230736.

Submission:

Ambry Genetics
Classification: Uncertain significance for Cardiovascular phenotype; Hereditary cancer-predisposing syndrome. Last evaluated: 2023-03-15. Review status: criteria provided, single submitter. Criteria: Ambry Variant Classification Scheme 2023. Collection method: clinical testing. Allele origin: germline.
Comment: The p.P59L variant (also known as c.176C>T), located in coding exon 1 of the LZTR1 gene, results from a C to T substitution at nucleotide position 176. The proline at codon 59 is replaced by leucine, an amino acid with similar properties. This amino acid position is conserved. In addition, this alteration is predicted to be tolerated by in silico analysis. Since supporting evidence is limited at this time, the clinical significance of this alteration remains unclear.